The following is an entry in ClinVar:

NM_017763.6(RNF43):c.1252C>T (p.Leu418=)

Gene: RNF43 (ring finger protein 43; minus strand). Cytogenetic location: 17q22.
Variant type: single nucleotide variant.
Coding change: c.1252C>T on transcript NM_017763.6 (MANE Select); coding-DNA position 1252, C replaced by T.
Protein change: p.Leu418=; no amino-acid change (leucine 418 retained).
Molecular consequence: synonymous variant.
Genome position (GRCh38, 1-based): chr17:58,358,524, G>A on the plus strand (C>T on the coding strand, the complement: RNF43 is on the minus strand). VCF-style: chr17-58358524-G-A. GRCh37 (hg19) VCF-style: chr17-56435885-G-A.
Other names: c.1252C>T, p.Leu418= (NM_001305544.3); c.871C>T, p.Leu291= (NM_001305545.2).
Identifiers: ClinVar variation 3789859 (VCV003789859.2).
Genomic context (GRCh38, chr17:58,358,524, plus strand): 5'-CCCGGCGTAGGGGCACTGGGCAAGCAGCAGGGTGCTGTGAGGTGGATTGGAGGTGGCTCA[G>A]TCCCCAGCCTTGTGCATAGGGGTGCTGGGCTCCTGCCAGGCGCTGCTGCTCTCCTGGAGC-3'
Protein context (NP_060233.3, residues 408-428): AQHPYAQGWG[Leu418=]SHLQSTSQHP

ClinVar aggregate classification (germline): Benign/Likely benign. Review status: criteria provided, multiple submitters, no conflicts (2 of 4 stars). 2 submissions from 2 submitters: Benign (1); Likely benign (1). Last evaluated 2026-07-01.

Conditions:
Sessile serrated polyposis cancer syndrome (SSPCS). Identifiers: Orphanet 157798, MedGen C4310714, MONDO:0014919, OMIM 617108.

Submissions (2):

Myriad Genetics, Inc.
Classification: Benign for Sessile serrated polyposis cancer syndrome. Last evaluated: 2026-07-01. Review status: criteria provided, single submitter. Criteria: Myriad Autosomal Dominant, Autosomal Recessive and X-Linked Classification Criteria (2023). Collection method: clinical testing. Allele origin: unknown.
Comment: This variant is considered benign. This variant is a silent/synonymous amino acid change and it is not expected to impact splicing.

Ambry Genetics
Classification: Likely benign. Last evaluated: 2024-12-20. Review status: criteria provided, single submitter. Criteria: Ambry Variant Classification Scheme 2023. Collection method: clinical testing. Allele origin: germline.